The following is an entry in ClinVar:

ClinVar aggregate classification (germline): Conflicting classifications of pathogenicity. Review status: criteria provided, conflicting classifications (1 of 4 stars). 2 submissions from 2 submitters: Uncertain significance (1); Likely benign (1). Last evaluated 2025-06-12.

Conditions:
TBX18-related disorder. Also called: TBX18-related condition.

Allele frequency attached by ClinVar (database versions not stated): ExAC 0.00019.
gnomAD v4.1: 58 of 1,609,732 alleles (0.0036%); highest among the groups gnomAD compares: Admixed American, 0.094%; 1 homozygote.

Submissions (2):

Labcorp Genetics (formerly Invitae), Labcorp
Classification: Uncertain significance. Last evaluated: 2025-06-12. Review status: criteria provided, single submitter. Criteria: Invitae Variant Classification Sherloc (09022015). Collection method: clinical testing. Allele origin: germline.
Comment: This sequence change falls in intron 5 of the TBX18 gene. It does not directly change the encoded amino acid sequence of the TBX18 protein. It affects a nucleotide within the consensus splice site. This variant is present in population databases (rs780182947, gnomAD 0.1%), and has an allele count higher than expected for a pathogenic variant. This variant has not been reported in the literature in individuals affected with TBX18-related conditions. ClinVar contains an entry for this variant (Variation ID: 2076749). Variants that disrupt the consensus splice site are a relatively common cause of aberrant splicing (PMID: 17576681, 9536098). Algorithms developed to predict the effect of sequence changes on RNA splicing suggest that this variant is not likely to affect RNA splicing. In summary, the available evidence is currently insufficient to determine the role of this variant in disease. Therefore, it has been classified as a Variant of Uncertain Significance.

PreventionGenetics, part of Exact Sciences
Classification: Likely benign for TBX18-related condition. Last evaluated: 2025-01-22. Review status: criteria provided, single submitter. Criteria: ACMG Guidelines, 2015. Collection method: clinical testing. Allele origin: germline.
Comment: This variant is classified as likely benign based on ACMG/AMP sequence variant interpretation guidelines (Richards et al. 2015 PMID: 25741868, with internal and published modifications).

Literature cited by the submitters: PubMed 17576681 (cited by Labcorp Genetics (formerly Invitae), Labcorp); PubMed 9536098 (cited by Labcorp Genetics (formerly Invitae), Labcorp).

NM_001080508.3(TBX18):c.939+4T>C

Gene: TBX18 (T-box transcription factor 18; minus strand). Cytogenetic location: 6q14.3.
Variant type: single nucleotide variant.
Coding change: c.939+4T>C on transcript NM_001080508.3 (MANE Select); 4 bases into the intron after coding-DNA position 939, T replaced by C.
Molecular consequence: intron variant.
Genome position (GRCh38, 1-based): chr6:84,747,916, A>G on the plus strand (T>C on the coding strand, the complement: TBX18 is on the minus strand). VCF-style: chr6-84747916-A-G. GRCh37 (hg19) VCF-style: chr6-85457634-A-G.
Other names: c.939+4T>C (NM_001080508.2).
Identifiers: ClinVar variation 2076749 (VCV002076749.5), dbSNP rs780182947, ClinGen allele CA3910978.